The following is an entry in ClinVar:

ClinVar aggregate classification (germline): Pathogenic (1 of 4 stars; one submission).

Conditions:
Lynch syndrome 5 (LYNCH5). Also called: Colorectal cancer, hereditary nonpolyposis, type 5; Hereditary non-polyposis colorectal cancer, type 5. Identifiers: Orphanet 144, MedGen C1833477, MONDO:0013710, OMIM 614350. Disease mechanism: loss of function.

Submission:

Myriad Genetics, Inc.
Classification: Pathogenic for Lynch syndrome 5. Last evaluated: 2023-08-16. Review status: criteria provided, single submitter. Criteria: Myriad Autosomal Dominant, Autosomal Recessive and X-Linked Classification Criteria (2023). Collection method: clinical testing. Allele origin: unknown.
Comment: This variant is considered pathogenic. This variant creates a frameshift predicted to result in premature protein truncation.

NM_000179.3(MSH6):c.1866_1887del (p.Ile622fs)

Gene: MSH6 (mutS homolog 6; plus strand). Cytogenetic location: 2p16.3.
Variant type: Deletion.
Coding change: c.1866_1887del on transcript NM_000179.3 (MANE Select); coding-DNA positions 1866 to 1887, 22 bases deleted (ACCCGGCTCCCAGTTTTGGGAT).
Protein change: p.Ile622fs; shifts the reading frame from isoleucine 622.
Molecular consequence: frameshift variant. On other transcripts: non-coding transcript variant (5), intron variant (2).
Genome position (GRCh38, 1-based): chr2:47,799,849-47,799,870, ACCCGGCTCCCAGTTTTGGGAT deleted; deleting any 22 consecutive bases within chr2:47,799,846-47,799,870 gives the same sequence; the c. name uses the placement nearest the transcript's 3' end. VCF-style (leftmost placement, unchanged base first): chr2-47799845-TGATACCCGGCTCCCAGTTTTGG-T. GRCh37 (hg19) VCF-style: chr2-48026984-TGATACCCGGCTCCCAGTTTTGG-T.
Other names: c.1476_1497del, p.Ile492fs (NM_001281492.2); c.960_981del, p.Ile320fs (NM_001281493.2, NM_001281494.2, NM_001406811.1 and 6 more transcripts); c.1962_1983del, p.Ile654fs (NM_001406795.1, NM_001406802.1); c.1866_1887del, p.Ile622fs (NM_001406796.1, NM_001406798.1, NM_001406800.1 and 3 more transcripts); c.1569_1590del, p.Ile523fs (NM_001406797.1, NM_001406801.1, NM_001406805.1 and 10 more transcripts); c.1341_1362del, p.Ile447fs (NM_001406799.1, NM_001406806.1, NM_001406807.1); c.1788_1809del, p.Ile596fs (NM_001406804.1); c.1872_1893del, p.Ile624fs (NM_001406813.1); and 3 more; short protein forms I320fs, I447fs, I492fs, I523fs, I566fs, I596fs, I622fs, I624fs.
Identifiers: ClinVar variation 2673750 (VCV002673750.1), dbSNP rs2530634912, ClinGen allele CA2695200636.
Genomic context (GRCh38, chr2:47,799,845, plus strand): 5'-TCTCAAAGGAAACTAAAACAATTCTAAAGAGTTCATTGTCCTGTTCTCTTCAGGAAGGTC[TGATACCCGGCTCCCAGTTTTGG>T]GATGCATCCAAAACTTTGAGAACTCTCCTTGAGGAAGAATATTTTAGGGAAAAGCTAAGT-3'